The following is an entry in ClinVar:

NM_014845.6(FIG4):c.2297G>A (p.Arg766Gln)

Gene: FIG4 (FIG4 phosphoinositide 5-phosphatase; plus strand). Cytogenetic location: 6q21.
Variant type: single nucleotide variant.
Coding change: c.2297G>A on transcript NM_014845.6 (MANE Select); coding-DNA position 2297, G replaced by A.
Protein change: p.Arg766Gln; replaces arginine 766 with glutamine.
Molecular consequence: missense variant.
Genome position (GRCh38, 1-based): chr6:109,791,492, G>A. VCF-style: chr6-109791492-G-A. GRCh37 (hg19) VCF-style: chr6-110112695-G-A.
Other names: short protein forms R766Q.
Identifiers: ClinVar variation 2083553 (VCV002083553.1), dbSNP rs1363783096, ClinGen allele CA365216524.
Genomic context (GRCh38, chr6:109,791,492, plus strand): 5'-CGCCGCCCCCCAGCGAGGAGGCTGTGTCCAGCAGCTCTGAGGATGACTCTGGGACTGATC[G>A]GGAAGAAGAGGGCTCTGTGTCTCAGCGCTCCACTCCCGTGAAGATGACTGATGCAGGAGA-3'
Protein context (NP_055660.1, residues 756-776): SSSEDDSGTD[Arg766Gln]EEEGSVSQRS

ClinVar aggregate classification (germline): Uncertain significance (1 of 4 stars; one submission).

Conditions:
Charcot-Marie-Tooth disease type 4. Also called: Charcot-Marie-Tooth disease, type IV; Charcot-Marie-Tooth, Type 4. Identifiers: Orphanet 64749, MedGen C4082197, MONDO:0018995.

gnomAD v4.1: 4 of 1,614,038 alleles (0.00025%); highest among the groups gnomAD compares: Admixed American, 0.0017%; no homozygotes.

Submission:

Labcorp Genetics (formerly Invitae), Labcorp
Classification: Uncertain significance for Charcot-Marie-Tooth disease type 4. Last evaluated: 2022-08-21. Review status: criteria provided, single submitter. Criteria: Invitae Variant Classification Sherloc (09022015). Collection method: clinical testing. Allele origin: germline.
Comment: This sequence change replaces arginine, which is basic and polar, with glutamine, which is neutral and polar, at codon 766 of the FIG4 protein (p.Arg766Gln). This variant is present in population databases (no rsID available, gnomAD 0.003%). This variant has not been reported in the literature in individuals affected with FIG4-related conditions. Algorithms developed to predict the effect of missense changes on protein structure and function (SIFT, PolyPhen-2, Align-GVGD) all suggest that this variant is likely to be tolerated. In summary, the available evidence is currently insufficient to determine the role of this variant in disease. Therefore, it has been classified as a Variant of Uncertain Significance.